The following is an entry in ClinVar:

ClinVar aggregate classification (germline): Uncertain significance (1 of 4 stars; one submission).

Conditions:
Severe combined immunodeficiency due to DNA-PKcs deficiency. Also called: IMMUNODEFICIENCY 26 WITH NEUROLOGIC ABNORMALITIES; Immunodeficiency 26 with or without neurologic abnormalities. Identifiers: Orphanet 317425, MedGen C4014833, MONDO:0014423, OMIM 615966.

Allele frequency attached by ClinVar (database versions not stated): gnomAD exomes 0.00002 and 0.00007; ExAC 0.00008; ESP Exome Variant Server 0.00017; TOPMed 0.00023; gnomAD 0.00024 and 0.00026; 1000 Genomes Project 0.00040; 1000 Genomes Project 30x 0.00047.
gnomAD v4.1: 72 of 1,613,866 alleles (0.0045%); highest among the groups gnomAD compares: African/African-American, 0.077%; no homozygotes.

Submission:

Labcorp Genetics (formerly Invitae), Labcorp
Classification: Uncertain significance for Severe combined immunodeficiency due to DNA-PKcs deficiency. Last evaluated: 2023-08-10. Review status: criteria provided, single submitter. Criteria: Invitae Variant Classification Sherloc (09022015). Collection method: clinical testing. Allele origin: germline.
Comment: This sequence change replaces threonine, which is neutral and polar, with methionine, which is neutral and non-polar, at codon 1569 of the PRKDC protein (p.Thr1569Met). This variant is present in population databases (rs374408346, gnomAD 0.07%). This variant has not been reported in the literature in individuals affected with PRKDC-related conditions. ClinVar contains an entry for this variant (Variation ID: 1060648). Advanced modeling of protein sequence and biophysical properties (such as structural, functional, and spatial information, amino acid conservation, physicochemical variation, residue mobility, and thermodynamic stability) has been performed at Invitae for this missense variant, however the output from this modeling did not meet the statistical confidence thresholds required to predict the impact of this variant on PRKDC protein function. In summary, the available evidence is currently insufficient to determine the role of this variant in disease. Therefore, it has been classified as a Variant of Uncertain Significance.

NM_006904.7(PRKDC):c.4706C>T (p.Thr1569Met)

Gene: PRKDC (protein kinase, DNA-activated, catalytic subunit; minus strand). Cytogenetic location: 8q11.21.
Variant type: single nucleotide variant.
Coding change: c.4706C>T on transcript NM_006904.7 (MANE Select); coding-DNA position 4706, C replaced by T.
Protein change: p.Thr1569Met; replaces threonine 1569 with methionine.
Molecular consequence: missense variant.
Genome position (GRCh38, 1-based): chr8:47,886,014, G>A on the plus strand (C>T on the coding strand, the complement: PRKDC is on the minus strand). VCF-style: chr8-47886014-G-A. GRCh37 (hg19) VCF-style: chr8-48798575-G-A.
Other names: c.4706C>T, p.Thr1569Met (NM_001081640.2); short protein forms T1569M.
Identifiers: ClinVar variation 1060648 (VCV001060648.7), dbSNP rs374408346, ClinGen allele CA4740827.